The following is an entry in ClinVar:

NM_032043.3(BRIP1):c.412T>C (p.Leu138=)

Gene: BRIP1 (BRCA1 interacting DNA helicase 1; minus strand). Cytogenetic location: 17q23.2.
Variant type: single nucleotide variant.
Coding change: c.412T>C on transcript NM_032043.3 (MANE Select); coding-DNA position 412, T replaced by C.
Protein change: p.Leu138=; no amino-acid change (leucine 138 retained).
Molecular consequence: synonymous variant.
Genome position (GRCh38, 1-based): chr17:61,849,224, A>G on the plus strand (T>C on the coding strand, the complement: BRIP1 is on the minus strand). VCF-style: chr17-61849224-A-G. GRCh37 (hg19) VCF-style: chr17-59926585-A-G.
Identifiers: ClinVar variation 184122 (VCV000184122.21), dbSNP rs786201292, ClinGen allele CA187853.
Genomic context (GRCh38, chr17:61,849,224, plus strand): 5'-TCTCTACTTGAAAATCATCATTTTCATCTCTGTATATGGATGCCTGTTTCTTAGCAGATA[A>G]CTTTGCAGCCAGAGTGGTTTTTTCAGGGGAGTCTTATATAAGTAATTTAAAAAAAACAGC-3'
Protein context (NP_114432.2, residues 128-148): SPEKTTLAAK[Leu138=]SAKKQASIYR

ClinVar aggregate classification (germline): Benign/Likely benign. Review status: criteria provided, multiple submitters, no conflicts (2 of 4 stars). 5 submissions from 5 submitters: Benign (1); Likely benign (4). Last evaluated 2025-12-10.

Conditions:
Hereditary cancer-predisposing syndrome. Also called: Tumor predisposition; Hereditary Cancer Syndrome; Hereditary neoplastic syndrome; Neoplastic Syndromes, Hereditary. Identifiers: Orphanet 140162, MedGen C0027672, MeSH D009386, MONDO:0015356.
Familial cancer of breast. Also called: BREAST CANCER, FAMILIAL; hereditary breast carcinoma; Hereditary breast cancer. Identifiers: Orphanet 227535, MedGen C0346153, MONDO:0016419, OMIM 114480. Disease mechanism: loss of function.
Fanconi anemia complementation group J. Also called: BRIP1-Related Fanconi Anemia. Identifiers: Orphanet 84, MedGen C1836860, MONDO:0012187, OMIM 609054.

Allele frequency attached by ClinVar (database versions not stated): gnomAD 0.00001; gnomAD exomes 0.00001; TOPMed 0.00001.
gnomAD v4.1: 8 of 1,613,026 alleles (0.0005%); highest among the groups gnomAD compares: Non-Finnish European, 0.00068%; no homozygotes.

Submissions (5):

Labcorp Genetics (formerly Invitae), Labcorp
Classification: Likely benign for Familial cancer of breast; Fanconi anemia complementation group J. Last evaluated: 2025-12-10. Review status: criteria provided, single submitter. Criteria: Invitae Variant Classification Sherloc (09022015). Collection method: clinical testing. Allele origin: germline.

Myriad Genetics, Inc.
Classification: Benign for Familial cancer of breast. Last evaluated: 2024-08-21. Review status: criteria provided, single submitter. Criteria: Myriad Autosomal Dominant, Autosomal Recessive and X-Linked Classification Criteria (2023). Collection method: clinical testing. Allele origin: unknown.
Comment: This variant is considered benign. This variant is a silent/synonymous amino acid change and it is not expected to impact splicing.

GeneDx
Classification: Likely benign. Last evaluated: 2019-08-27. Review status: criteria provided, single submitter. Criteria: GeneDx Variant Classification Process June 2021. Collection method: clinical testing. Allele origin: germline. Affected: yes.

Ambry Genetics
Classification: Likely benign for Hereditary cancer-predisposing syndrome. Last evaluated: 2017-04-10. Review status: criteria provided, single submitter. Criteria: Ambry Variant Classification Scheme 2023. Collection method: clinical testing. Allele origin: germline.

Color Diagnostics, LLC DBA Color Health
Classification: Likely benign for Hereditary cancer-predisposing syndrome. Last evaluated: 2017-02-02. Review status: criteria provided, single submitter. Criteria: ACMG Guidelines, 2015. Collection method: clinical testing. Allele origin: germline.